The following is an entry in ClinVar:

NM_032383.5(HPS3):c.1377_1378del (p.Arg460fs)

Gene: HPS3 (HPS3 biogenesis of lysosomal organelles complex 2 subunit 1; plus strand). Cytogenetic location: 3q24.
Variant type: Deletion.
Coding change: c.1377_1378del on transcript NM_032383.5 (MANE Select); coding-DNA positions 1377 to 1378, 2 bases deleted (AA; older notation c.1377_1378delAA).
Protein change: p.Arg460fs; shifts the reading frame from arginine 460.
Molecular consequence: frameshift variant.
Genome position (GRCh38, 1-based): chr3:149,153,625-149,153,626, AA deleted. VCF-style (leftmost placement, unchanged base first): chr3-149153624-GAA-G. GRCh37 (hg19) VCF-style: chr3-148871411-GAA-G.
Other names: c.882_883del, p.Arg295fs (NM_001308258.2); short protein forms R295fs, R460fs.
Identifiers: ClinVar variation 5011329 (VCV005011329.1).

ClinVar aggregate classification (germline): Pathogenic (1 of 4 stars; one submission).

Conditions:
Hermansky-Pudlak syndrome 3 (HPS3). Identifiers: Orphanet 231512, Orphanet 79430, MedGen C3888001, MONDO:0013555, OMIM 614072.

Submission:

Myriad Genetics, Inc.
Classification: Pathogenic for Hermansky-Pudlak syndrome 3. Last evaluated: 2023-08-12. Review status: criteria provided, single submitter. Criteria: Myriad Autosomal Dominant, Autosomal Recessive and X-Linked Classification Criteria (2023). Collection method: clinical testing. Allele origin: unknown.
Comment: NM_032383.3(HPS3):c.1377_1378delAA(R460Tfs*15) is expected to be pathogenic in the context of Hermansky-Pudlak syndrome, HPS3-related. This variant is predicted to lead to an abnormal or absent protein product due to the creation of a premature termination codon in HPS3, a gene where loss-of-function variants are known to be pathogenic. Please note: this variant was assessed in the context of healthy population screening.